The following is an entry in ClinVar:

NM_001136271.3(NKX2-6):c.35C>T (p.Ser12Leu)

Gene: NKX2-6 (NK2 homeobox 6; minus strand). Cytogenetic location: 8p21.2.
Variant type: single nucleotide variant.
Coding change: c.35C>T on transcript NM_001136271.3 (MANE Select); coding-DNA position 35, C replaced by T.
Protein change: p.Ser12Leu; replaces serine 12 with leucine.
Molecular consequence: missense variant.
Genome position (GRCh38, 1-based): chr8:23,706,564, G>A on the plus strand (C>T on the coding strand, the complement: NKX2-6 is on the minus strand). VCF-style: chr8-23706564-G-A. GRCh37 (hg19) VCF-style: chr8-23564077-G-A.
Other names: short protein forms S12L.
Identifiers: ClinVar variation 1058355 (VCV001058355.5), dbSNP rs1254295378, ClinGen allele CA370603848.
Genomic context (GRCh38, chr8:23,706,564, plus strand): 5'-GGATGTGGCGAAGCCGCGGGGCAGCTCCGCTCGCGCTCCAGTCGCAGGATGTCCTTGACC[G>A]AGAAGGGGGTGGAGGTGACGGGGCTCAGCAGCATCCCGAAGGCGGATGGGGCGGGGCCGA-3'
Protein context (NP_001129743.2, residues 2-22): LLSPVTSTPF[Ser12Leu]VKDILRLERE

ClinVar aggregate classification (germline): Uncertain significance (1 of 4 stars; one submission).

Conditions:
Conotruncal heart malformations (CTHM). Also called: Conotruncal heart malformations, variable. Identifiers: Orphanet 2445, Orphanet 3384, Orphanet 3426, MedGen C1857586, MONDO:0016581, OMIM 217095.

Allele frequency attached by ClinVar (database versions not stated): gnomAD exomes 0.00001; TOPMed 0.00001.
gnomAD v4.1: 12 of 1,536,160 alleles (0.00078%); highest among the groups gnomAD compares: South Asian, 0.0024%; no homozygotes.

Submission:

Labcorp Genetics (formerly Invitae), Labcorp
Classification: Uncertain significance for Conotruncal heart malformations. Last evaluated: 2020-09-15. Review status: criteria provided, single submitter. Criteria: Invitae Variant Classification Sherloc (09022015). Collection method: clinical testing. Allele origin: germline.
Comment: In summary, the available evidence is currently insufficient to determine the role of this variant in disease. Therefore, it has been classified as a Variant of Uncertain Significance. Algorithms developed to predict the effect of missense changes on protein structure and function output the following: SIFT: "Tolerated"; PolyPhen-2: "Possibly Damaging"; Align-GVGD: "Class C0". The leucine amino acid residue is found in multiple mammalian species, suggesting that this missense change does not adversely affect protein function. These predictions have not been confirmed by published functional studies and their clinical significance is uncertain. This variant has not been reported in the literature in individuals with NKX2-6-related conditions. The frequency data for this variant in the population databases is considered unreliable, as metrics indicate insufficient coverage at this position in the ExAC database. This sequence change replaces serine with leucine at codon 12 of the NKX2-6 protein (p.Ser12Leu). The serine residue is highly conserved and there is a large physicochemical difference between serine and leucine.